The following is an entry in ClinVar:

ClinVar aggregate classification (germline): Uncertain significance. Review status: criteria provided, multiple submitters, no conflicts (2 of 4 stars). 3 submissions from 3 submitters: Uncertain significance (3). Last evaluated 2025-09-01.

Conditions:
Hereditary cancer-predisposing syndrome. Also called: Hereditary Cancer Syndrome; Hereditary neoplastic syndrome; Neoplastic Syndromes, Hereditary; Tumor predisposition. Identifiers: Orphanet 140162, MedGen C0027672, MeSH D009386, MONDO:0015356.
Multiple endocrine neoplasia, type 2 (MEN2). Identifiers: Orphanet 653, MedGen C4048306, MONDO:0019003. Disease mechanism: gain of function.

Submissions (3):

Color Diagnostics, LLC DBA Color Health
Classification: Uncertain significance for Multiple endocrine neoplasia, type 2. Last evaluated: 2025-09-01. Review status: criteria provided, single submitter. Criteria: ACMG Guidelines, 2015. Collection method: clinical testing. Allele origin: germline.
Comment: This missense variant replaces cysteine with phenylalanine at codon 531 of the RET protein. Computational prediction is inconclusive regarding the impact of this variant on protein structure and function. To our knowledge, functional studies have not been reported for this variant. This variant has not been reported in individuals affected with RET-related disorders in the literature. This variant has not been identified in the general population by the Genome Aggregation Database (gnomAD). The available evidence is insufficient to determine the role of this variant in disease conclusively. Therefore, this variant is classified as a Variant of Uncertain Significance.

Labcorp Genetics (formerly Invitae), Labcorp
Classification: Uncertain significance for Multiple endocrine neoplasia, type 2. Last evaluated: 2025-05-13. Review status: criteria provided, single submitter. Criteria: Invitae Variant Classification Sherloc (09022015). Collection method: clinical testing. Allele origin: germline.
Comment: This sequence change replaces cysteine, which is neutral and slightly polar, with phenylalanine, which is neutral and non-polar, at codon 531 of the RET protein (p.Cys531Phe). This variant is not present in population databases (gnomAD no frequency). This variant has not been reported in the literature in individuals affected with RET-related conditions. ClinVar contains an entry for this variant (Variation ID: 3664802). An algorithm developed to predict the effect of missense changes on protein structure and function (PolyPhen-2) suggests that this variant is likely to be disruptive. In summary, the available evidence is currently insufficient to determine the role of this variant in disease. Therefore, it has been classified as a Variant of Uncertain Significance.

Ambry Genetics
Classification: Uncertain significance for Hereditary cancer-predisposing syndrome. Last evaluated: 2025-04-08. Review status: criteria provided, single submitter. Criteria: Ambry Variant Classification Scheme 2023. Collection method: clinical testing. Allele origin: germline.
Comment: The p.C531F variant (also known as c.1592G>T), located in coding exon 8 of the RET gene, results from a G to T substitution at nucleotide position 1592. The cysteine at codon 531 is replaced by phenylalanine, an amino acid with highly dissimilar properties. This amino acid position is conserved. In addition, this alteration is predicted to be deleterious by in silico analysis. Based on the available evidence, the clinical significance of this variant remains unclear.

NM_020975.6(RET):c.1592G>T (p.Cys531Phe)

Gene: RET (ret proto-oncogene; plus strand). Cytogenetic location: 10q11.21.
Variant type: single nucleotide variant.
Coding change: c.1592G>T on transcript NM_020975.6 (MANE Select); coding-DNA position 1592, G replaced by T.
Protein change: p.Cys531Phe; replaces cysteine 531 with phenylalanine.
Molecular consequence: missense variant.
Genome position (GRCh38, 1-based): chr10:43,112,168, G>T. VCF-style: chr10-43112168-G-T. GRCh37 (hg19) VCF-style: chr10-43607616-G-T.
Other names: c.695G>T, p.Cys232Phe (NM_001406779.1, NM_001406780.1, NM_001406781.1 and 3 more transcripts); c.566G>T, p.Cys189Phe (NM_001406783.1, NM_001406786.1); c.602G>T, p.Cys201Phe (NM_001406784.1); c.407G>T, p.Cys136Phe (NM_001406788.1, NM_001406789.1, NM_001406790.1 and 1 more transcripts); c.830G>T, p.Cys277Phe (NM_001355216.2); c.1592G>T, p.Cys531Phe (NM_001406743.1, NM_001406744.1, NM_001406759.1 and 4 more transcripts); c.143G>T, p.Cys48Phe (NM_001406792.1, NM_001406793.1, NM_001406794.1); c.1463G>T, p.Cys488Phe (NM_001406761.1, NM_001406762.1, NM_001406764.1 and 1 more transcripts); and 5 more; short protein forms C201F, C289F, C356F, C385F, C488F, C48F, C136F, C277F.
Identifiers: ClinVar variation 3664802 (VCV003664802.4).
Genomic context (GRCh38, chr10:43,112,168, plus strand): 5'-AGGAGGCGGGCTGCCCCCTGTCCTGTGCAGTCAGCAAGAGACGGCTGGAGTGTGAGGAGT[G>T]TGGCGGCCTGGGCTCCCCAACAGGCAGGTGTGAGTGGAGGCAAGGAGATGGCAAAGGTAA-3'
Protein context (NP_066124.1, residues 521-541): VSKRRLECEE[Cys531Phe]GGLGSPTGRC